The following is an entry in ClinVar:

ClinVar aggregate classification (germline): Uncertain significance (1 of 4 stars; one submission).

Submission:

Women's Health and Genetics/Laboratory Corporation of America, LabCorp
Classification: Uncertain significance. Last evaluated: 2026-04-30. Review status: criteria provided, single submitter. Criteria: LabCorp Variant Classification Summary - May 2015. Collection method: clinical testing. Allele origin: germline.
Comment: Variant summary: CFTR c.200C>G (p.Pro67Arg) results in a non-conservative amino acid change in the encoded protein sequence. Algorithms developed to predict the effect of missense changes on protein structure and function all suggest that this variant is likely to be disruptive. The variant was absent in 251004 control chromosomes. To our knowledge, no occurrence of c.200C>G in individuals affected with CFTR-related conditions and no experimental evidence demonstrating its impact on protein function have been reported. Multiple variants affecting the same codon have been classified as likely pathogenic/pathogenic by our lab (c.200C>T, p.Pro67Leu; c.199C>T, p.Pro67Ser), supporting the critical relevance of codon 67 to CFTR protein function. No submitters have cited clinical-significance assessments for this variant to ClinVar. Based on the evidence outlined above, the variant was classified as VUS-possibly pathogenic.

NM_000492.4(CFTR):c.200C>G (p.Pro67Arg)

Gene: CFTR (CF transmembrane conductance regulator; plus strand). Cytogenetic location: 7q31.2.
Variant type: single nucleotide variant.
Coding change: c.200C>G on transcript NM_000492.4 (MANE Select); coding-DNA position 200, C replaced by G.
Protein change: p.Pro67Arg; replaces proline 67 with arginine.
Molecular consequence: missense variant.
Genome position (GRCh38, 1-based): chr7:117,509,069, C>G. VCF-style: chr7-117509069-C-G. GRCh37 (hg19) VCF-style: chr7-117149123-C-G.
Other names: short protein forms P67R.
Identifiers: ClinVar variation 4849019 (VCV004849019.1).